The following is an entry in ClinVar:

ClinVar aggregate classification (germline): Uncertain significance. Review status: criteria provided, multiple submitters, no conflicts (2 of 4 stars). 3 submissions from 3 submitters: Uncertain significance (3). Last evaluated 2024-07-26.

Conditions:
Inborn genetic diseases. Identifiers: MedGen C0950123, MeSH D030342.
Mitochondrial hypertrophic cardiomyopathy with lactic acidosis due to MTO1 deficiency. Also called: Combined oxidative phosphorylation deficiency 10; CARDIOMYOPATHY, INFANTILE HYPERTROPHIC MITOCHONDRIAL, AND LACTIC ACIDOSIS. Identifiers: Orphanet 314637, MedGen C4749921, MONDO:0013865, OMIM 614702.

Allele frequency attached by ClinVar (database versions not stated): gnomAD 0.00001.
gnomAD v4.1: 8 of 1,614,090 alleles (0.0005%); highest among the groups gnomAD compares: East Asian, 0.0022%; no homozygotes.

Submissions (3):

Ambry Genetics
Classification: Uncertain significance for Inborn genetic diseases. Last evaluated: 2024-07-26. Review status: criteria provided, single submitter. Criteria: Ambry Variant Classification Scheme 2023. Collection method: clinical testing. Allele origin: germline.

GeneDx
Classification: Uncertain significance. Last evaluated: 2022-12-06. Review status: criteria provided, single submitter. Criteria: GeneDx Variant Classification Process June 2021. Collection method: clinical testing. Allele origin: germline. Affected: yes.
Comment: Not observed at significant frequency in large population cohorts (gnomAD); In silico analysis supports that this missense variant has a deleterious effect on protein structure/function; Has not been previously published as pathogenic or benign to our knowledge

Labcorp Genetics (formerly Invitae), Labcorp
Classification: Uncertain significance for Mitochondrial hypertrophic cardiomyopathy with lactic acidosis due to MTO1 deficiency. Last evaluated: 2022-05-30. Review status: criteria provided, single submitter. Criteria: Invitae Variant Classification Sherloc (09022015). Collection method: clinical testing. Allele origin: germline.
Comment: In summary, the available evidence is currently insufficient to determine the role of this variant in disease. Therefore, it has been classified as a Variant of Uncertain Significance. Algorithms developed to predict the effect of missense changes on protein structure and function are either unavailable or do not agree on the potential impact of this missense change (SIFT: "Deleterious"; PolyPhen-2: "Probably Damaging"; Align-GVGD: "Class C0"). This variant has not been reported in the literature in individuals affected with MTO1-related conditions. This variant is present in population databases (rs770758228, gnomAD 0.006%). This sequence change replaces arginine, which is basic and polar, with histidine, which is basic and polar, at codon 102 of the MTO1 protein (p.Arg102His).

NM_012123.4(MTO1):c.305G>A (p.Arg102His)

Gene: MTO1 (mitochondrial tRNA translation optimization 1; plus strand). Cytogenetic location: 6q13.
Variant type: single nucleotide variant.
Coding change: c.305G>A on transcript NM_012123.4 (MANE Select); coding-DNA position 305, G replaced by A.
Protein change: p.Arg102His; replaces arginine 102 with histidine.
Molecular consequence: missense variant.
Genome position (GRCh38, 1-based): chr6:73,466,296, G>A. VCF-style: chr6-73466296-G-A. GRCh37 (hg19) VCF-style: chr6-74176019-G-A.
Other names: c.305G>A, p.Arg102His (NM_001123226.2, NM_133645.3); c.305G>A (NM_012123.3, NM_001123226.1); short protein forms R102H.
Identifiers: ClinVar variation 2024181 (VCV002024181.4), dbSNP rs770758228, ClinGen allele CA3889310.